The following is an entry in ClinVar:

ClinVar aggregate classification (germline): Uncertain significance (1 of 4 stars; one submission).

Submission:

CeGaT Center for Human Genetics Tuebingen
Classification: Uncertain significance. Last evaluated: 2022-08-01. Review status: criteria provided, single submitter. Criteria: CeGaT Center For Human Genetics Tuebingen Variant Classification Criteria Version 2. Collection method: clinical testing. Allele origin: germline. Affected: yes. Observed: 1 variant allele.
Comment: AFF3: PM2, BP4

NM_001386135.1(AFF3):c.1436A>T (p.Lys479Met)

Gene: AFF3 (ALF transcription elongation factor 3; minus strand). Cytogenetic location: 2q11.2.
Variant type: single nucleotide variant.
Coding change: c.1436A>T on transcript NM_001386135.1 (MANE Select); coding-DNA position 1436, A replaced by T.
Protein change: p.Lys479Met; replaces lysine 479 with methionine.
Molecular consequence: missense variant.
Genome position (GRCh38, 1-based): chr2:99,594,225, T>A on the plus strand (A>T on the coding strand, the complement: AFF3 is on the minus strand). VCF-style: chr2-99594225-T-A. GRCh37 (hg19) VCF-style: chr2-100210687-T-A.
Other names: c.1511A>T, p.Lys504Met (NM_001025108.2); c.1436A>T, p.Lys479Met (NM_002285.3); short protein forms K479M, K504M.
Identifiers: ClinVar variation 1711504 (VCV001711504.30), dbSNP rs2546112753, ClinGen allele CA347888782.
Genomic context (GRCh38, chr2:99,594,225, plus strand): 5'-GGGTTGTAGTACTGATTGCTCTCTGACCCGTGGCTTTCATTTTGGATCAGAATAGGAGGC[T>A]TGTGGGGATTAACTTTGTTTAGCCATTTATCCAGCTGCCACTTGTTAGAGGATGCCGGTT-3'
Protein context (NP_001373064.1, residues 469-489): DKWLNKVNPH[Lys479Met]PPILIQNESH